The following is an entry in ClinVar:

ClinVar aggregate classification (germline): Uncertain significance. Review status: criteria provided, multiple submitters, no conflicts (2 of 4 stars). 4 submissions from 4 submitters: Uncertain significance (3). 1 of the submissions does not count toward it. Last evaluated 2024-04-06.

Conditions:
Permanent neonatal diabetes mellitus (PNDM). Identifiers: Orphanet 99885, MedGen C1833104, MONDO:0100164, MONDO:0011643. Disease mechanism: gain of function.
Diabetes mellitus, transient neonatal, 3 (TNDM3). Identifiers: Orphanet 99886, MedGen C1864623, MONDO:0012522, OMIM 610582. Disease mechanism: loss of function.
Hyperinsulinemic hypoglycemia, familial, 2. Also called: HYPERINSULINEMIC HYPOGLYCEMIA, PERSISTENT; HYPERINSULINISM, NEONATAL. Identifiers: Orphanet 276580, Orphanet 276603, MedGen C2931833, MONDO:0011153, OMIM 601820. Disease mechanism: loss of function.
Maturity-onset diabetes of the young type 13. Also called: MODY, TYPE 13. Identifiers: Orphanet 552, MedGen C4225365, MONDO:0014589, OMIM 616329.
Type 2 diabetes mellitus. Also called: Type II diabetes mellitus. Identifiers: MedGen C0011860, MeSH D003924, MONDO:0005148, OMIM 125853, HP:0005978.
Diabetes mellitus, permanent neonatal 2. Also called: KCNJ11-Related Permanent Neonatal Diabetes Mellitus. Identifiers: MedGen C5394296, MONDO:0030087, OMIM 618856.
Maturity-onset diabetes of the young (MODY). Also called: Maturity onset diabetes mellitus in young. Identifiers: Orphanet 552, MedGen C0342276, MONDO:0018911, HP:0004904.

Allele frequency attached by ClinVar (database versions not stated): TOPMed 0.00001; 1000 Genomes Project 30x 0.00016; 1000 Genomes Project 0.00020.

Submissions (4):

Labcorp Genetics (formerly Invitae), Labcorp
Classification: Uncertain significance. Last evaluated: 2024-04-06. Review status: criteria provided, single submitter. Criteria: Invitae Variant Classification Sherloc (09022015). Collection method: clinical testing. Allele origin: germline.
Comment: This sequence change replaces arginine, which is basic and polar, with cysteine, which is neutral and slightly polar, at codon 4 of the KCNJ11 protein (p.Arg4Cys). This variant is present in population databases (rs543286136, gnomAD 0.008%). This missense change has been observed in individual(s) with neonatal diabetes mellitus or congenital hyperinsulinism (PMID: 32027066, 32041611, 36873092). ClinVar contains an entry for this variant (Variation ID: 989948). Advanced modeling of protein sequence and biophysical properties (such as structural, functional, and spatial information, amino acid conservation, physicochemical variation, residue mobility, and thermodynamic stability) performed at Invitae indicates that this missense variant is expected to disrupt KCNJ11 protein function with a positive predictive value of 95%. In summary, the available evidence is currently insufficient to determine the role of this variant in disease. Therefore, it has been classified as a Variant of Uncertain Significance.

Fulgent Genetics
Classification: Uncertain significance for Type 2 diabetes mellitus; Hyperinsulinemic hypoglycemia, familial, 2; Diabetes mellitus, transient neonatal, 3; Maturity-onset diabetes of the young type 13; Diabetes mellitus, permanent neonatal 2. Last evaluated: 2022-02-11. Review status: criteria provided, single submitter. Criteria: ACMG Guidelines, 2015. Collection method: clinical testing. Allele origin: unknown.

Clinical Genomics, Uppaluri K&H Personalized Medicine Clinic
Classification: Uncertain significance for Maturity-onset diabetes of the young. Review status: criteria provided, single submitter. Criteria: K & H Uppaluri Personalized Medicine Clinic Variant Classification & Assertion Criteria_Updated V.1. Collection method: research. Allele origin: somatic. Inheritance: Autosomal dominant inheritance.
Comment: Mutations in KCNJ11 gene can cause decreased production and secretion of insulin. This can lead to MODY which may be responsive to oral sulfonylureas. It is also associated with Neonatal Diabetes. However, no sufficient evidence is found to ascertain the role of this particular variant (rs543286136) in MODY yet.

Natera, Inc.
Classification: Uncertain significance for Permanent neonatal diabetes mellitus. Last evaluated: 2020-10-29. Review status: no assertion criteria provided. Collection method: clinical testing. Allele origin: germline. Not counted in ClinVar's aggregate classification.

Literature cited by the submitters: PubMed 32027066 (cited by Labcorp Genetics (formerly Invitae), Labcorp); PubMed 32041611 (cited by Labcorp Genetics (formerly Invitae), Labcorp); PubMed 36873092 (cited by Labcorp Genetics (formerly Invitae), Labcorp); PubMed 26448950 (cited by Clinical Genomics, Uppaluri K&H Personalized Medicine Clinic); PubMed 15580558 (cited by Clinical Genomics, Uppaluri K&H Personalized Medicine Clinic); PubMed 15718250 (cited by Clinical Genomics, Uppaluri K&H Personalized Medicine Clinic); PubMed 32935446 (cited by Clinical Genomics, Uppaluri K&H Personalized Medicine Clinic); PubMed 22701567 (cited by Clinical Genomics, Uppaluri K&H Personalized Medicine Clinic).

NM_000525.4(KCNJ11):c.10C>T (p.Arg4Cys)

Gene: KCNJ11 (potassium inwardly rectifying channel subfamily J member 11; minus strand). Cytogenetic location: 11p15.1.
Variant type: single nucleotide variant.
Coding change: c.10C>T on transcript NM_000525.4 (MANE Select); coding-DNA position 10, C replaced by T.
Protein change: p.Arg4Cys; replaces arginine 4 with cysteine.
Molecular consequence: missense variant. On other transcripts: intron variant (3).
Genome position (GRCh38, 1-based): chr11:17,388,082, G>A on the plus strand (C>T on the coding strand, the complement: KCNJ11 is on the minus strand). VCF-style: chr11-17388082-G-A. GRCh37 (hg19) VCF-style: chr11-17409629-G-A.
Other names: c.-16-236C>T (NM_001166290.2, NM_001377297.1); c.-75-6C>T (NM_001377296.1); short protein forms R4C.
Identifiers: ClinVar variation 989948 (VCV000989948.5), dbSNP rs543286136, ClinGen allele CA5902349.
Genomic context (GRCh38, chr11:17,388,082, plus strand): 5'-GCTTGGCAGGGTCCTCTGCCAGGCGTGTCAGCACGTATTCCTCGGGGATGATGCCCTTGC[G>A]GGACAGCATGGCTCCGGTGACCCCCAGGGAGGGGCTTCCCCCATCGGAGGCACCCCTCGG-3'
Protein context (NP_000516.3, residues 1-14): MLS[Arg4Cys]KGIIPEEYVL